The following is an entry in ClinVar:

NM_003846.3(PEX11B):c.533C>T (p.Thr178Ile)

Gene: PEX11B (peroxisomal biogenesis factor 11 beta; minus strand). Cytogenetic location: 1q21.1.
Variant type: single nucleotide variant.
Coding change: c.533C>T on transcript NM_003846.3 (MANE Select); coding-DNA position 533, C replaced by T.
Protein change: p.Thr178Ile; replaces threonine 178 with isoleucine.
Molecular consequence: missense variant. On other transcripts: non-coding transcript variant (3).
Genome position (GRCh38, 1-based): chr1:145,912,408, G>A on the plus strand (C>T on the coding strand, the complement: PEX11B is on the minus strand). VCF-style: chr1-145912408-G-A. GRCh37 (hg19) VCF-style: chr1-145522672-C-T.
Other names: c.491C>T, p.Thr164Ile (NM_001184795.1); short protein forms T178I, T164I.
Identifiers: ClinVar variation 2005659 (VCV002005659.4), dbSNP rs2525402499, ClinGen allele CA342121124.

ClinVar aggregate classification (germline): Uncertain significance (1 of 4 stars; one submission).

Submission:

Labcorp Genetics (formerly Invitae), Labcorp
Classification: Uncertain significance. Last evaluated: 2022-06-20. Review status: criteria provided, single submitter. Criteria: Invitae Variant Classification Sherloc (09022015). Collection method: clinical testing. Allele origin: germline.
Comment: In summary, the available evidence is currently insufficient to determine the role of this variant in disease. Therefore, it has been classified as a Variant of Uncertain Significance. Algorithms developed to predict the effect of missense changes on protein structure and function (SIFT, PolyPhen-2, Align-GVGD) all suggest that this variant is likely to be tolerated. This variant has not been reported in the literature in individuals affected with PEX11B-related conditions. This variant is not present in population databases (gnomAD no frequency). This sequence change replaces threonine, which is neutral and polar, with isoleucine, which is neutral and non-polar, at codon 178 of the PEX11B protein (p.Thr178Ile).